The following is an entry in ClinVar:

ClinVar aggregate classification (germline): Uncertain significance (1 of 4 stars; one submission).

Conditions:
Autosomal dominant hypocalcemia 1 (HYPOC1). Also called: HYPOCALCEMIA, FAMILIAL. Identifiers: MedGen C3715128, MONDO:0011013, OMIM 601198.
Familial hypocalciuric hypercalcemia (FHH). Also called: Familial benign hypercalcemia. Identifiers: Orphanet 405, MedGen C1809471, MONDO:0018458.

Submission:

Labcorp Genetics (formerly Invitae), Labcorp
Classification: Uncertain significance for Familial hypocalciuric hypercalcemia; Autosomal dominant hypocalcemia 1. Last evaluated: 2018-07-25. Review status: criteria provided, single submitter. Criteria: Invitae Variant Classification Sherloc (09022015). Collection method: clinical testing. Allele origin: germline.
Comment: This variant, c.1624_1626delTGC, results in the deletion of 1 amino acid of the CASR protein (p.Cys542del), but otherwise preserves the integrity of the reading frame. This variant is not present in population databases (ExAC no frequency). This variant has not been reported in the literature in individuals with CASR-related disease. ClinVar contains an entry for this variant (Variation ID: 410325). Experimental studies and prediction algorithms are not available for this variant, and the functional significance of the deleted amino acid is currently unknown. In summary, the available evidence is currently insufficient to determine the role of this variant in disease. Therefore, it has been classified as a Variant of Uncertain Significance.

NM_000388.4(CASR):c.1624_1626del (p.Cys542del)

Gene: CASR (calcium sensing receptor; plus strand). Cytogenetic location: 3q21.1.
Variant type: Deletion.
Coding change: c.1624_1626del on transcript NM_000388.4 (MANE Select); coding-DNA positions 1624 to 1626, 3 bases deleted (TGC; older notation c.1624_1626delTGC).
Protein change: p.Cys542del; deletes cysteine 542.
Molecular consequence: inframe deletion.
Genome position (GRCh38, 1-based): chr3:122,282,128-122,282,130, TGC deleted; deleting any 3 consecutive bases within chr3:122,282,127-122,282,130 gives the same sequence; the c. name uses the placement nearest the transcript's 3' end. VCF-style (leftmost placement, unchanged base first): chr3-122282126-ACTG-A. GRCh37 (hg19) VCF-style: chr3-122000973-ACTG-A.
Other names: c.1654_1656del, p.Cys552del (NM_001178065.2); short protein forms C542del, C552del.
Identifiers: ClinVar variation 410325 (VCV000410325.10), dbSNP rs1060502846, ClinGen allele CA16611305.